The following is an entry in ClinVar:

ClinVar aggregate classification (germline): Uncertain significance (1 of 4 stars; one submission).

Conditions:
Deficiency of malonyl-CoA decarboxylase. Also called: Malonic aciduria; MCD deficiency. Identifiers: Orphanet 943, MedGen C0342793, MONDO:0009556, OMIM 248360.

Allele frequency attached by ClinVar (database versions not stated): ExAC 0.00001.
gnomAD v4.1: 32 of 1,613,872 alleles (0.002%); highest among the groups gnomAD compares: Non-Finnish European, 0.0026%; no homozygotes.

Submission:

Labcorp Genetics (formerly Invitae), Labcorp
Classification: Uncertain significance for Deficiency of malonyl-CoA decarboxylase. Last evaluated: 2022-03-24. Review status: criteria provided, single submitter. Criteria: Invitae Variant Classification Sherloc (09022015). Collection method: clinical testing. Allele origin: germline.
Comment: This sequence change replaces alanine, which is neutral and non-polar, with serine, which is neutral and polar, at codon 403 of the MLYCD protein (p.Ala403Ser). This variant is present in population databases (rs569549800, gnomAD 0.004%). This variant has not been reported in the literature in individuals affected with MLYCD-related conditions. Algorithms developed to predict the effect of missense changes on protein structure and function (SIFT, PolyPhen-2, Align-GVGD) all suggest that this variant is likely to be disruptive. In summary, the available evidence is currently insufficient to determine the role of this variant in disease. Therefore, it has been classified as a Variant of Uncertain Significance.

NM_012213.3(MLYCD):c.1207G>T (p.Ala403Ser)

Gene: MLYCD (malonyl-CoA decarboxylase; plus strand). Cytogenetic location: 16q23.3.
Variant type: single nucleotide variant.
Coding change: c.1207G>T on transcript NM_012213.3 (MANE Select); coding-DNA position 1207, G replaced by T.
Protein change: p.Ala403Ser; replaces alanine 403 with serine.
Molecular consequence: missense variant.
Genome position (GRCh38, 1-based): chr16:83,915,214, G>T. VCF-style: chr16-83915214-G-T. GRCh37 (hg19) VCF-style: chr16-83948819-G-T.
Other names: short protein forms A403S.
Identifiers: ClinVar variation 1969524 (VCV001969524.2), dbSNP rs569549800, ClinGen allele CA8197551.